The following is an entry in ClinVar:

NM_002180.3(IGHMBP2):c.1235+600_1235+601insCTGGAGCCCTGATGCG

Gene: IGHMBP2 (immunoglobulin mu DNA binding protein 2; plus strand). Cytogenetic location: 11q13.3.
Variant type: Insertion.
Coding change: c.1235+600_1235+601insCTGGAGCCCTGATGCG on transcript NM_002180.3 (MANE Select); bases 600 to 601 of the intron after coding-DNA position 1235, CTGGAGCCCTGATGCG inserted.
Molecular consequence: intron variant.
Genome position: GRCh38 VCF-style: chr11-68929957-A-ACTGGAGCCCTGATGCG. GRCh37 (hg19) VCF-style: chr11-68697425-A-ACTGGAGCCCTGATGCG.
Other names: NM_002180.3:c.1235+600_1235+601insCTGGAGCCCTGATGCG.
Identifiers: ClinVar variation 2500929 (VCV002500929.1), dbSNP rs1449942315, ClinGen allele CA599991260.

ClinVar aggregate classification (germline): Uncertain significance (1 of 4 stars; one submission).

Conditions:
Autosomal recessive distal spinal muscular atrophy 1. Also called: NEURONOPATHY, SEVERE INFANTILE AXONAL, WITH RESPIRATORY FAILURE; SEVERE INFANTILE AXONAL NEUROPATHY WITH RESPIRATORY FAILURE; SPINAL MUSCULAR ATROPHY, DIAPHRAGMATIC; Spinal muscular atrophy with respiratory distress 1; NEURONOPATHY, DISTAL HEREDITARY MOTOR, HARDING TYPE VI; NEUROPATHY, DISTAL HEREDITARY MOTOR, AUTOSOMAL RECESSIVE 1. Identifiers: Orphanet 98920, MedGen C1858517, MONDO:0011436, OMIM 604320.

Submission:

Broad Center for Mendelian Genomics, Broad Institute of MIT and Harvard
Classification: Uncertain significance for Autosomal recessive distal spinal muscular atrophy 1. Last evaluated: 2023-05-02. Review status: criteria provided, single submitter. Criteria: ACMG Guidelines, 2015. Collection method: curation. Allele origin: germline. Inheritance: Autosomal recessive inheritance.
Comment: The c.1235+600_1235+601insCTGGAGCCCTGATGCG variant in IGHMBP2 has not been previously reported in individuals with autosomal recessive distal spinal muscular atrophy 1 but has been identified in 0.05% (8/15244) of Latino/Admixed American chromosomes by the Genome Aggregation Database (gnomAD; dbSNP rs1449942315). Although this variant has been seen in the general population in a heterozygous state, its frequency is not high enough to rule out a pathogenic role. This variant is located in the 5' splice region. Computational tools do not suggest an impact to splicing. However, this information is not predictive enough to rule out pathogenicity. In summary, the clinical significance of the c.1235+600_1235+601insCTGGAGCCCTGATGCG variant is uncertain. ACMG/AMP Criteria applied: PM3_Supporting, BP4 (Richards 2015).